The following is an entry in ClinVar:

ClinVar aggregate classification (germline): Benign. Review status: criteria provided, multiple submitters, no conflicts (2 of 4 stars). 2 submissions from 2 submitters: Benign (2). Last evaluated 2025-02-16.

Conditions:
Leigh syndrome (NULS). Also called: Leigh's necrotizing encephalopathy; Leigh's disease; Leigh Syndrome (mtDNA deletion); Leigh Disease; Subacute necrotizing encephalopathy; Necrotizing encephalopathy infantile subacute of Leigh. Identifiers: Orphanet 506, MedGen C2931891, MONDO:0009723, OMIM 256000.

Submissions (2):

Laboratory of Genetics, Children's Clinical University Hospital Latvia
Classification: Benign. Last evaluated: 2025-02-16. Review status: criteria provided, single submitter. Criteria: ACMG Guidelines, 2015. Collection method: clinical testing. Allele origin: germline. Affected: yes.

Wong Mito Lab, Molecular and Human Genetics, Baylor College of Medicine
Classification: Benign for Leigh syndrome. Last evaluated: 2019-10-17. Review status: criteria provided, single submitter. Criteria: Modified ACMG Guidelines (Unpublished). Collection method: clinical testing. Allele origin: germline.
Comment: The NC_012920.1:m.8794C>T (YP_003024031.1:p.His90Tyr) variant in MTATP6 gene is interpretated to be a Benign variant based on the modified ACMG guidelines (unpublished). This variant meets the following evidence codes: BA1

NC_012920.1(MT-ATP6):m.8794C>T

Gene: MT-ATP6 (mitochondrially encoded ATP synthase 6; plus strand).
Variant type: single nucleotide variant.
Genome position: chrM-8794-C-T.
Identifiers: ClinVar variation 692987 (VCV000692987.2), dbSNP rs2298007, ClinGen allele CA337098034.